The following is an entry in ClinVar:

NM_144599.5(NIPA1):c.*2649A>G

Gene: NIPA1 (NIPA magnesium transporter 1; plus strand). Cytogenetic location: 15q11.2.
Variant type: single nucleotide variant.
Coding change: c.*2649A>G on transcript NM_144599.5 (MANE Select); 2649 bases downstream of the stop codon, A replaced by G.
Molecular consequence: 3 prime UTR variant.
Genome position (GRCh38, 1-based): chr15:22,826,888, A>G. VCF-style: chr15-22826888-A-G. GRCh37 (hg19) VCF-style: chr15-23046180-T-C.
Other names: c.*2649A>G (NM_001142275.1).
Identifiers: ClinVar variation 315374 (VCV000315374.5), dbSNP rs8027756, ClinGen allele CA10645557.

ClinVar aggregate classification (germline): Benign (1 of 4 stars; one submission).

Conditions:
Hereditary spastic paraplegia 6 (SPG6). Also called: SPASTIC PARAPLEGIA 6, AUTOSOMAL DOMINANT. Identifiers: Orphanet 100988, MedGen C1838192, MONDO:0010878, OMIM 600363.

Allele frequency attached by ClinVar (database versions not stated): gnomAD 0.02364 and 0.02539; TOPMed 0.02634; 1000 Genomes Project 0.02935; 1000 Genomes Project 30x 0.02998.

Submission:

Illumina Laboratory Services, Illumina
Classification: Benign for Hereditary spastic paraplegia 6. Last evaluated: 2018-01-12. Review status: criteria provided, single submitter. Criteria: ICSL Variant Classification Criteria 13 December 2019. Collection method: clinical testing. Allele origin: germline.
Comment: This variant was observed in the ICSL laboratory as part of a predisposition screen in an ostensibly healthy population. It had not been previously curated by ICSL or reported in the Human Gene Mutation Database (HGMD: prior to June 1st, 2018), and was therefore a candidate for classification through an automated scoring system. Utilizing variant allele frequency, disease prevalence and penetrance estimates, and inheritance mode, an automated score was calculated to assess if this variant is too frequent to cause the disease. Based on the score and internal cut-off values, a variant classified as benign is not then subjected to further curation. The score for this variant resulted in a classification of benign for this disease.